The following is an entry in ClinVar:

NC_000002.11:g.(?_215593394)_(215634042_?)del

Gene: BARD1 (BRCA1 associated RING domain 1; minus strand). Cytogenetic location: 2q35.
Variant type: Deletion.
Identifiers: ClinVar variation 1076131 (VCV001076131.2).

ClinVar aggregate classification (germline): Pathogenic (1 of 4 stars; one submission).

Conditions:
Familial cancer of breast. Also called: hereditary breast carcinoma; Hereditary breast cancer; BREAST CANCER, FAMILIAL. Identifiers: Orphanet 227535, MedGen C0346153, MONDO:0016419, OMIM 114480. Disease mechanism: loss of function.

Submission:

Labcorp Genetics (formerly Invitae), Labcorp
Classification: Pathogenic for Familial cancer of breast. Last evaluated: 2018-02-07. Review status: criteria provided, single submitter. Criteria: Invitae Variant Classification Sherloc (09022015). Collection method: clinical testing. Allele origin: germline.
Comment: This variant is a gross deletion of the genomic region encompassing exons 5-11 of the BARD1 gene. The 5' boundary is likely confined to intron 4. The 3' end of this event is unknown as it extends through the termination codon beyond the assayed region for this gene and may encompass additional genes. While this deletion is not anticipated to result in nonsense mediated decay, it is expected to create a truncated protein product or disrupt mRNA translation. A similar deletion of exons 5-11 of the STK11 gene has been identified in an individual affected with breast cancer and crohn's disease and determined to be pathogenic (PMID: 17848578, Invitae). Deletion of exons 5-11 removes the C-terminal BRCT domains of the BARD1 protein. Experimental studies have shown that the BRCT domains are required for BARD1 homology-directed repair activity and the maintenance of chromosomal stability in vitro (PMID: 17848578, 14560035). For these reasons, this variant has been classified as Pathogenic.

Literature cited by the submitters: PubMed 17848578; PubMed 14560035.